The following is an entry in ClinVar:

NM_001291303.3(FAT4):c.6991G>A (p.Val2331Ile)

Gene: FAT4 (FAT atypical cadherin 4; plus strand). Cytogenetic location: 4q28.1.
Variant type: single nucleotide variant.
Coding change: c.6991G>A on transcript NM_001291303.3 (MANE Select); coding-DNA position 6991, G replaced by A.
Protein change: p.Val2331Ile; replaces valine 2331 with isoleucine.
Molecular consequence: missense variant.
Genome position (GRCh38, 1-based): chr4:125,416,595, G>A. VCF-style: chr4-125416595-G-A. GRCh37 (hg19) VCF-style: chr4-126337750-G-A.
Other names: c.6991G>A, p.Val2331Ile (NM_001291285.3, NM_024582.6); short protein forms V2331I.
Identifiers: ClinVar variation 452745 (VCV000452745.2), dbSNP rs752320782, ClinGen allele CA3073046.

ClinVar aggregate classification (germline): Uncertain significance (1 of 4 stars; one submission).

Allele frequency attached by ClinVar (database versions not stated): ExAC 0.00001; gnomAD exomes below 0.00001.

Submission:

GeneDx
Classification: Uncertain significance. Last evaluated: 2017-10-17. Review status: criteria provided, single submitter. Criteria: GeneDx Variant Classification (06012015). Collection method: clinical testing. Allele origin: germline. Affected: yes.
Comment: The V2331I variant in the FAT4 gene has not been reported previously as a pathogenic variant, nor as a benign variant, to our knowledge. The V2331I variant is not observed in large population cohorts (Lek et al., 2016). The V2331I variant is a conservative amino acid substitution, which is not likely to impact secondary protein structure as these residues share similar properties. This substitution occurs at a position that is not conserved. In silico analysis is inconsistent in its predictions as to whether or not the variant is damaging to the protein structure/function. We interpret V2331I as a variant of uncertain significance.